The following is an entry in ClinVar:

NM_033026.6(PCLO):c.14697A>G (p.Gln4899=)

Gene: PCLO (piccolo presynaptic cytomatrix protein; minus strand). Cytogenetic location: 7q21.11.
Variant type: single nucleotide variant.
Coding change: c.14697A>G on transcript NM_033026.6 (MANE Select); coding-DNA position 14697, A replaced by G.
Protein change: p.Gln4899=; no amino-acid change (glutamine 4899 retained).
Molecular consequence: synonymous variant.
Genome position (GRCh38, 1-based): chr7:82,822,589, T>C on the plus strand (A>G on the coding strand, the complement: PCLO is on the minus strand). VCF-style: chr7-82822589-T-C. GRCh37 (hg19) VCF-style: chr7-82451905-T-C.
Other names: c.14697A>G, p.Gln4899= (NM_014510.3).
Identifiers: ClinVar variation 2657644 (VCV002657644.24), dbSNP rs367618501, ClinGen allele CA4318741.

ClinVar aggregate classification (germline): Likely benign (1 of 4 stars; one submission).

Allele frequency attached by ClinVar (database versions not stated): ExAC 0.00001; gnomAD 0.00001; gnomAD exomes 0.00001; TOPMed 0.00001; ESP Exome Variant Server 0.00008.
gnomAD v4.1: 16 of 1,613,734 alleles (0.00099%); highest among the groups gnomAD compares: Non-Finnish European, 0.0014%; no homozygotes.

Submission:

CeGaT Center for Human Genetics Tuebingen
Classification: Likely benign. Last evaluated: 2023-08-01. Review status: criteria provided, single submitter. Criteria: CeGaT Center For Human Genetics Tuebingen Variant Classification Criteria Version 2. Collection method: clinical testing. Allele origin: germline. Affected: yes. Observed: 1 variant allele.
Comment: PCLO: BP4, BP7